The following is an entry in ClinVar:

ClinVar aggregate classification (germline): Uncertain significance (1 of 4 stars; one submission).

Submission:

Ambry Genetics
Classification: Uncertain significance. Last evaluated: 2022-06-15. Review status: criteria provided, single submitter. Criteria: Ambry Variant Classification Scheme 2023. Collection method: clinical testing. Allele origin: germline.
Comment: The p.N856Y variant (also known as c.2566A>T), located in coding exon 4 of the ALPK2 gene, results from an A to T substitution at nucleotide position 2566. The asparagine at codon 856 is replaced by tyrosine, an amino acid with dissimilar properties. This amino acid position is conserved. In addition, this alteration is predicted to be tolerated by in silico analysis. Since supporting evidence is limited at this time, the clinical significance of this alteration remains unclear.

NM_052947.4(ALPK2):c.2566A>T (p.Asn856Tyr)

Gene: ALPK2 (alpha kinase 2; minus strand). Cytogenetic location: 18q21.31.
Variant type: single nucleotide variant.
Coding change: c.2566A>T on transcript NM_052947.4 (MANE Select); coding-DNA position 2566, A replaced by T.
Protein change: p.Asn856Tyr; replaces asparagine 856 with tyrosine.
Molecular consequence: missense variant.
Genome position (GRCh38, 1-based): chr18:58,537,621, T>A on the plus strand (A>T on the coding strand, the complement: ALPK2 is on the minus strand). VCF-style: chr18-58537621-T-A. GRCh37 (hg19) VCF-style: chr18-56204853-T-A.
Other names: short protein forms N856Y.
Identifiers: ClinVar variation 1793169 (VCV001793169.2), dbSNP rs2051660201, ClinGen allele CA402570257.
Genomic context (GRCh38, chr18:58,537,621, plus strand): 5'-ACGTAGACACTGAAGTCTCAGACACTTGTGTCTGAAAAAAGACTTCCAGTGTCTTGTCAT[T>A]AGAAGAACATAAATCAGATACTTTGTTTTGACCTTCTGCCAGTTCCGTATCTACAGAGCA-3'
Protein context (NP_443179.3, residues 846-866): QNKVSDLCSS[Asn856Tyr]DKTLEVFFQT